The following is an entry in ClinVar:

ClinVar aggregate classification (germline): Uncertain significance. Review status: criteria provided, multiple submitters, no conflicts (2 of 4 stars). 2 submissions from 2 submitters: Uncertain significance (2). Last evaluated 2025-07-20.

Conditions:
Inborn genetic diseases. Identifiers: MedGen C0950123, MeSH D030342.

gnomAD v4.1: 1 of 1,613,704 alleles (0.000062%); highest among the groups gnomAD compares: African/African-American, 0.0013%; no homozygotes.

Submissions (2):

GeneDx
Classification: Uncertain significance. Last evaluated: 2025-07-20. Review status: criteria provided, single submitter. Criteria: GeneDx Variant Classification Process June 2021. Collection method: clinical testing. Allele origin: germline. Affected: yes.
Comment: Not observed at significant frequency in large population cohorts (gnomAD); In silico analysis supports that this missense variant has a deleterious effect on protein structure/function; Has not been previously published as pathogenic or benign to our knowledge

Ambry Genetics
Classification: Uncertain significance for Inborn genetic diseases. Last evaluated: 2022-02-02. Review status: criteria provided, single submitter. Criteria: Ambry Variant Classification Scheme 2023. Collection method: clinical testing. Allele origin: germline.

NM_018060.4(IARS2):c.1207G>T (p.Gly403Cys)

Gene: IARS2 (isoleucyl-tRNA synthetase 2, mitochondrial; plus strand). Cytogenetic location: 1q41.
Variant type: single nucleotide variant.
Coding change: c.1207G>T on transcript NM_018060.4 (MANE Select); coding-DNA position 1207, G replaced by T.
Protein change: p.Gly403Cys; replaces glycine 403 with cysteine.
Molecular consequence: missense variant.
Genome position (GRCh38, 1-based): chr1:220,106,031, G>T. VCF-style: chr1-220106031-G-T. GRCh37 (hg19) VCF-style: chr1-220279373-G-T.
Other names: short protein forms G403C.
Identifiers: ClinVar variation 2275012 (VCV002275012.3), dbSNP rs201122237, ClinGen allele CA1401338.